The following is an entry in ClinVar:

ClinVar aggregate classification (germline): Benign. Review status: criteria provided, single submitter (1 of 4 stars). 2 submissions from 2 submitters: Benign (1). 1 of the submissions does not count toward it. Last evaluated 2024-09-13.

Conditions:
SOX4-related disorder. Also called: SOX4-related condition.

Submissions (2):

Blueprint Genetics
Classification: Benign. Last evaluated: 2024-09-13. Review status: criteria provided, single submitter. Criteria: ACMG Guidelines, 2015. Collection method: clinical testing. Allele origin: germline.

PreventionGenetics, part of Exact Sciences
Classification: Likely benign for SOX4-related condition. Last evaluated: 2020-01-16. Review status: no assertion criteria provided. Collection method: clinical testing. Allele origin: germline. Not counted in ClinVar's aggregate classification.
Comment: This variant is classified as likely benign based on ACMG/AMP sequence variant interpretation guidelines (Richards et al. 2015 PMID: 25741868, with internal and published modifications).

NM_003107.3(SOX4):c.502_503insCG (p.Gly168fs)

Gene: SOX4 (SRY-box transcription factor 4; plus strand). Cytogenetic location: 6p22.3.
Variant type: Insertion.
Coding change: c.502_503insCG on transcript NM_003107.3 (MANE Select); coding-DNA positions 502 to 503, CG inserted.
Protein change: p.Gly168fs; shifts the reading frame from glycine 168.
Molecular consequence: frameshift variant.
Genome position: GRCh38 VCF-style: chr6-21595035-G-GGC. GRCh37 (hg19) VCF-style: chr6-21595266-G-GGC.
Other names: short protein forms G168fs.
Identifiers: ClinVar variation 3044460 (VCV003044460.3), dbSNP rs1554118160, ClinGen allele CA3653608.
Genomic context (GRCh38, chr6:21,595,035, plus strand): 5'-CTCCTCCAAGCCGGGGGAGAAGGGAGACAAGGTCGGTGGCAGTGGCGGGGGCGGCCATGG[G>GGC]GGCGGCGGCGGCGGCGGGAGCAGCAACGCGGGGGGAGGAGGCGGCGGTGCGAGTGGCGGC-3'